The following is an entry in ClinVar:

ClinVar aggregate classification (germline): Uncertain significance (1 of 4 stars; one submission).

gnomAD v4.1: 2 of 1,590,178 alleles (0.00013%); highest among the groups gnomAD compares: Non-Finnish European, 0.00017%; no homozygotes.

Submission:

GeneDx
Classification: Uncertain significance. Last evaluated: 2024-08-02. Review status: criteria provided, single submitter. Criteria: GeneDx Variant Classification Process June 2021. Collection method: clinical testing. Allele origin: germline. Affected: yes.
Comment: Not observed at significant frequency in large population cohorts (gnomAD); In silico analysis supports that this missense variant has a deleterious effect on protein structure/function; Has not been previously published as pathogenic or benign to our knowledge

NM_015557.3(CHD5):c.4247G>C (p.Gly1416Ala)

Gene: CHD5 (chromodomain helicase DNA binding protein 5; minus strand). Cytogenetic location: 1p36.31.
Variant type: single nucleotide variant.
Coding change: c.4247G>C on transcript NM_015557.3 (MANE Select); coding-DNA position 4247, G replaced by C.
Protein change: p.Gly1416Ala; replaces glycine 1416 with alanine.
Molecular consequence: missense variant.
Genome position (GRCh38, 1-based): chr1:6,125,537, C>G on the plus strand (G>C on the coding strand, the complement: CHD5 is on the minus strand). VCF-style: chr1-6125537-C-G. GRCh37 (hg19) VCF-style: chr1-6185597-C-G.
Other names: short protein forms G1416A.
Identifiers: ClinVar variation 3602507 (VCV003602507.1).
Genomic context (GRCh38, chr1:6,125,537, plus strand): 5'-AGCAGGAAGCAGGGGCAGAAAGAGATGCGGGAACAGACAGGCCCCACCTCGATGTTGCCA[C>G]CAACTCGGGCGAGAAGCGGGGGCAGGGGCTTGTCCCTGTCACTCTTCAGCTGCCTCCGGG-3'
Protein context (NP_056372.1, residues 1406-1426): KPLPPLLARV[Gly1416Ala]GNIEVLGFNA